The following is an entry in ClinVar:

ClinVar aggregate classification (germline): Uncertain significance (1 of 4 stars; one submission).

Conditions:
Hereditary cancer-predisposing syndrome. Also called: Neoplastic Syndromes, Hereditary; Tumor predisposition; Hereditary Cancer Syndrome; Hereditary neoplastic syndrome. Identifiers: Orphanet 140162, MedGen C0027672, MeSH D009386, MONDO:0015356.

Submission:

Ambry Genetics
Classification: Uncertain significance for Hereditary cancer-predisposing syndrome. Last evaluated: 2020-04-10. Review status: criteria provided, single submitter. Criteria: Ambry Variant Classification Scheme 2023. Collection method: clinical testing. Allele origin: germline.
Comment: The p.L295P variant (also known as c.884T>C), located in coding exon 3 of the PHOX2B gene, results from a T to C substitution at nucleotide position 884. The leucine at codon 295 is replaced by proline, an amino acid with similar properties. This amino acid position is highly conserved in available vertebrate species. In addition, this alteration is predicted to be deleterious by in silico analysis. Since supporting evidence is limited at this time, the clinical significance of this alteration remains unclear.

NM_003924.4(PHOX2B):c.884T>C (p.Leu295Pro)

Gene: PHOX2B (paired like homeobox 2B; minus strand). Cytogenetic location: 4p13.
Variant type: single nucleotide variant.
Coding change: c.884T>C on transcript NM_003924.4 (MANE Select); coding-DNA position 884, T replaced by C.
Protein change: p.Leu295Pro; replaces leucine 295 with proline.
Molecular consequence: missense variant.
Genome position (GRCh38, 1-based): chr4:41,745,868, A>G on the plus strand (T>C on the coding strand, the complement: PHOX2B is on the minus strand). VCF-style: chr4-41745868-A-G. GRCh37 (hg19) VCF-style: chr4-41747885-A-G.
Other names: short protein forms L295P.
Identifiers: ClinVar variation 1764879 (VCV001764879.2), dbSNP rs1338546594, ClinGen allele CA356736862.